The following is an entry in ClinVar:

ClinVar aggregate classification (germline): Likely pathogenic (1 of 4 stars; one submission).

Conditions:
Ehlers-Danlos syndrome, kyphoscoliotic type, 2. Also called: FKBP14-Kyphoscoliotic Ehlers-Danlos Syndrome; Ehlers-Danlos syndrome with progressive kyphoscoliosis, myopathy, and hearing loss; Ehlers-Danlos syndrome, kyphoscoliotic and deafness type. Identifiers: Orphanet 300179, MedGen C3281160, MONDO:0013800, OMIM 614557.

Submission:

3billion
Classification: Likely pathogenic for Ehlers-Danlos syndrome, kyphoscoliotic type, 2. Last evaluated: 2023-11-17. Review status: criteria provided, single submitter. Criteria: ACMG Guidelines, 2015. Collection method: clinical testing. Allele origin: germline. Affected: yes.
Comment: The variant is not observed in the gnomAD v2.1.1 dataset. Predicted Consequence/Location: Frameshift: predicted to result in a loss or disruption of normal protein function through protein truncation. The predicted truncated protein may be shortened by more than 10%. The variant has been reported to be associated with FKBP14-related disorder (PMID: 28617417). Therefore, this variant is classified as Likely pathogenic according to the recommendation of ACMG/AMP guideline.

Literature cited by the submitters: PubMed 28617417.

NM_017946.4(FKBP14):c.523dup (p.Val175fs)

Genes: FKBP14-AS1 (FKBP14 antisense RNA 1; plus strand), FKBP14 (FKBP prolyl isomerase 14; minus strand). Cytogenetic location: 7p14.3.
Variant type: Duplication.
Coding change: c.523dup on transcript NM_017946.4 (MANE Select); coding-DNA position 523, one base duplicated (G; older notation c.523dupG).
Protein change: p.Val175fs; shifts the reading frame from valine 175.
Molecular consequence: frameshift variant. On other transcripts: non-coding transcript variant (2).
Genome position (GRCh38, 1-based): chr7:30,014,848, C duplicated on the plus strand (G on the coding strand, the reverse complement: FKBP14 is on the minus strand); the first of 2 consecutive C bases (chr7:30,014,848-30,014,849); duplicating either gives the same sequence. VCF-style (leftmost placement, unchanged base first): chr7-30014847-A-AC. GRCh37 (hg19) VCF-style: chr7-30054463-A-AC.
Other names: short protein forms V175fs.
Identifiers: ClinVar variation 3775211 (VCV003775211.1).